The following is an entry in ClinVar:

NM_175940.3(DUOX1):c.580A>G (p.Arg194Gly)

Gene: DUOX1 (dual oxidase 1; plus strand). Cytogenetic location: 15q21.1.
Variant type: single nucleotide variant.
Coding change: c.580A>G on transcript NM_175940.3 (MANE Select); coding-DNA position 580, A replaced by G.
Protein change: p.Arg194Gly; replaces arginine 194 with glycine.
Molecular consequence: missense variant.
Genome position (GRCh38, 1-based): chr15:45,135,558, A>G. VCF-style: chr15-45135558-A-G. GRCh37 (hg19) VCF-style: chr15-45427756-A-G.
Other names: c.580A>G, p.Arg194Gly (NM_017434.5); short protein forms R194G.
Identifiers: ClinVar variation 2645294 (VCV002645294.24), dbSNP rs200124144, ClinGen allele CA7540216.

ClinVar aggregate classification (germline): Likely benign (1 of 4 stars; one submission).

Allele frequency attached by ClinVar (database versions not stated): 1000 Genomes Project 0.00180; ExAC 0.00459; 1000 Genomes Project 30x 0.00484; gnomAD 0.00703; gnomAD exomes 0.00982.
gnomAD v4.1: 14,754 of 1,555,880 alleles (0.95%); highest among the groups gnomAD compares: Non-Finnish European, 1.2%; 114 homozygotes.

Submission:

CeGaT Center for Human Genetics Tuebingen
Classification: Likely benign. Last evaluated: 2022-12-01. Review status: criteria provided, single submitter. Criteria: CeGaT Center For Human Genetics Tuebingen Variant Classification Criteria Version 2. Collection method: clinical testing. Allele origin: germline. Affected: yes. Observed: 1 variant allele.
Comment: DUOX1: BS2